The following is an entry in ClinVar:

NM_024408.4(NOTCH2):c.3201C>T (p.Cys1067=)

Gene: NOTCH2 (notch receptor 2; minus strand). Cytogenetic location: 1p12.
Variant type: single nucleotide variant.
Coding change: c.3201C>T on transcript NM_024408.4 (MANE Select); coding-DNA position 3201, C replaced by T.
Protein change: p.Cys1067=; no amino-acid change (cysteine 1067 retained).
Molecular consequence: synonymous variant.
Genome position (GRCh38, 1-based): chr1:119,937,993, G>A on the plus strand (C>T on the coding strand, the complement: NOTCH2 is on the minus strand). VCF-style: chr1-119937993-G-A. GRCh37 (hg19) VCF-style: chr1-120480616-G-A.
Other names: c.3201C>T, p.Cys1067= (NM_001200001.2).
Identifiers: ClinVar variation 3347436 (VCV003347436.1).

ClinVar aggregate classification (germline): Likely benign (0 of 4 stars; one submission).

Conditions:
NOTCH2-related disorder. Also called: NOTCH2-related condition.

gnomAD v4.1: 1 of 1,614,184 alleles (0.000062%); no homozygotes.

Submission:

PreventionGenetics, part of Exact Sciences
Classification: Likely benign for NOTCH2-related condition. Last evaluated: 2024-04-29. Review status: no assertion criteria provided. Collection method: clinical testing. Allele origin: germline.
Comment: This variant is classified as likely benign based on ACMG/AMP sequence variant interpretation guidelines (Richards et al. 2015 PMID: 25741868, with internal and published modifications).